The following is an entry in ClinVar:

NM_032588.4(TRIM63):c.462C>T (p.Cys154=)

Gene: TRIM63 (tripartite motif containing 63; minus strand). Cytogenetic location: 1p36.11.
Variant type: single nucleotide variant.
Coding change: c.462C>T on transcript NM_032588.4 (MANE Select); coding-DNA position 462, C replaced by T.
Protein change: p.Cys154=; no amino-acid change (cysteine 154 retained).
Molecular consequence: synonymous variant.
Genome position (GRCh38, 1-based): chr1:26,061,205, G>A on the plus strand (C>T on the coding strand, the complement: TRIM63 is on the minus strand). VCF-style: chr1-26061205-G-A. GRCh37 (hg19) VCF-style: chr1-26387696-G-A.
Identifiers: ClinVar variation 4076497 (VCV004076497.1), dbSNP rs779566429.
Genomic context (GRCh38, chr1:26,061,205, plus strand): 5'-AAAAGTGGCTGGAGACAGTACCTTTTGTCCCTGGAAGACACTCTGCAATGGGGCCACCTC[G>A]CAGGCCTTGTGGATCCCAAACACCTTGCACATGGAGCAGGTGGGCACCTCACACGTGAGA-3'
Protein context (NP_115977.2, residues 144-164): MCKVFGIHKA[Cys154=]EVAPLQSVFQ

ClinVar aggregate classification (germline): Likely benign (1 of 4 stars; one submission).

gnomAD v4.1: 41 of 1,614,016 alleles (0.0025%); highest among the groups gnomAD compares: South Asian, 0.016%; no homozygotes.

Submission:

Molecular Diagnostic Laboratory for Inherited Cardiovascular Disease, Montreal Heart Institute
Classification: Likely benign. Last evaluated: 2025-07-24. Review status: criteria provided, single submitter. Criteria: ACMG Guidelines, 2015. Collection method: clinical testing. Allele origin: germline. Affected: no.
Comment: BP7